The following is an entry in ClinVar:

NM_024589.3(ROGDI):c.558C>A (p.Ser186=)

Gene: ROGDI (rogdi atypical leucine zipper; minus strand). Cytogenetic location: 16p13.3.
Variant type: single nucleotide variant.
Coding change: c.558C>A on transcript NM_024589.3 (MANE Select); coding-DNA position 558, C replaced by A.
Protein change: p.Ser186=; no amino-acid change (serine 186 retained).
Molecular consequence: synonymous variant. On other transcripts: non-coding transcript variant (1).
Genome position (GRCh38, 1-based): chr16:4,798,158, G>T on the plus strand (C>A on the coding strand, the complement: ROGDI is on the minus strand). VCF-style: chr16-4798158-G-T. GRCh37 (hg19) VCF-style: chr16-4848159-G-T.
Identifiers: ClinVar variation 2099044 (VCV002099044.4), dbSNP rs575384175, ClinGen allele CA493404937.

ClinVar aggregate classification (germline): Uncertain significance (1 of 4 stars; one submission).

Conditions:
Amelocerebrohypohidrotic syndrome (KTZS). Also called: Kohlschutter's syndrome; KOHLSCHUTTER SYNDROME; EPILEPSY AND YELLOW TEETH; EPILEPSY, DEMENTIA, AND AMELOGENESIS IMPERFECTA. Identifiers: Orphanet 1946, MedGen C0406740, MONDO:0009185, OMIM 226750.

gnomAD v4.1: 2 of 1,613,896 alleles (0.00012%); highest among the groups gnomAD compares: Non-Finnish European, 0.00017%; no homozygotes.

Submission:

Labcorp Genetics (formerly Invitae), Labcorp
Classification: Uncertain significance for Amelocerebrohypohidrotic syndrome. Last evaluated: 2022-02-18. Review status: criteria provided, single submitter. Criteria: Invitae Variant Classification Sherloc (09022015). Collection method: clinical testing. Allele origin: germline.
Comment: This variant has not been reported in the literature in individuals affected with ROGDI-related conditions. This variant is not present in population databases (gnomAD no frequency). This sequence change affects codon 186 of the ROGDI mRNA. It is a 'silent' change, meaning that it does not change the encoded amino acid sequence of the ROGDI protein. Algorithms developed to predict the effect of sequence changes on RNA splicing suggest that this variant may create or strengthen a splice site. In summary, the available evidence is currently insufficient to determine the role of this variant in disease. Therefore, it has been classified as a Variant of Uncertain Significance.